The following is an entry in ClinVar:

NM_001164508.2(NEB):c.3860dup (p.Asn1287fs)

Gene: NEB (nebulin; minus strand). Cytogenetic location: 2q23.3.
Variant type: Duplication.
Coding change: c.3860dup on transcript NM_001164508.2 (MANE Select); coding-DNA position 3860, one base duplicated (A; older notation c.3860dupA).
Protein change: p.Asn1287fs; shifts the reading frame from asparagine 1287.
Molecular consequence: frameshift variant.
Genome position (GRCh38, 1-based): chr2:151,675,306, T duplicated on the plus strand (A on the coding strand, the reverse complement: NEB is on the minus strand); the first of 2 consecutive T bases (chr2:151,675,306-151,675,307); duplicating either gives the same sequence. VCF-style (leftmost placement, unchanged base first): chr2-151675305-A-AT. GRCh37 (hg19) VCF-style: chr2-152531819-A-AT.
Other names: c.3860dup, p.Asn1287fs (NM_001164507.2, NM_001271208.2, NM_004543.5); short protein forms N1287fs.
Identifiers: ClinVar variation 1723953 (VCV001723953.2), dbSNP rs2552261791, ClinGen allele CA2580064131.
Genomic context (GRCh38, chr2:151,675,305, plus strand): 5'-TGTCAGGTCCGAATTTCACATCCCAGCAAAGACCCTACTTACGTCACTTATATTGTAAGC[A>AT]TTGCACTTGGCCTGGAGAAACTGAGGAAGATCAGGACTCATGGTGTATTTATGTTTCACA-3'

ClinVar aggregate classification (germline): Likely pathogenic (1 of 4 stars; one submission).

Conditions:
Nemaline myopathy 2 (NEM2). Also called: Nemaline myopathy 2, autosomal recessive. Identifiers: MedGen C1850569, MONDO:0009725, OMIM 256030.

Submission:

Myriad Genetics, Inc.
Classification: Likely pathogenic for Nemaline myopathy 2. Last evaluated: 2022-01-15. Review status: criteria provided, single submitter. Criteria: Myriad Women's Health Autosomal Recessive and X-Linked Classification Criteria (2021). Collection method: clinical testing. Allele origin: unknown.
Comment: NM_001271208.1(NEB):c.3860dupA(N1287Kfs*7) is expected to be pathogenic in the context of NEB-related nemaline myopathy. This variant is predicted to lead to an abnormal or absent protein product due to the creation of a premature termination codon in NEB, a gene where loss-of-function variants are known to be pathogenic. Please note: this variant was assessed in the context of healthy population screening.